The following is an entry in ClinVar:

ClinVar aggregate classification (germline): Uncertain significance (1 of 4 stars; one submission).

Allele frequency attached by ClinVar (database versions not stated): gnomAD exomes below 0.00001; gnomAD 0.00001; TOPMed 0.00001.
gnomAD v4.1: 5 of 1,568,804 alleles (0.00032%); highest among the groups gnomAD compares: Non-Finnish European, 0.00044%; no homozygotes.

Submission:

Ambry Genetics
Classification: Uncertain significance. Last evaluated: 2024-01-24. Review status: criteria provided, single submitter. Criteria: Ambry Variant Classification Scheme 2023. Collection method: clinical testing. Allele origin: germline.
Comment: The p.S354Y variant (also known as c.1061C>A), located in coding exon 12 of the NPAT gene, results from a C to A substitution at nucleotide position 1061. The serine at codon 354 is replaced by tyrosine, an amino acid with dissimilar properties. This amino acid position is conserved. In addition, this alteration is predicted to be tolerated by in silico analysis. Since supporting evidence is limited at this time, the clinical significance of this alteration remains unclear.

NM_002519.3(NPAT):c.1061C>A (p.Ser354Tyr)

Gene: NPAT (nuclear protein, coactivator of histone transcription; minus strand). Cytogenetic location: 11q22.3.
Variant type: single nucleotide variant.
Coding change: c.1061C>A on transcript NM_002519.3 (MANE Select); coding-DNA position 1061, C replaced by A.
Protein change: p.Ser354Tyr; replaces serine 354 with tyrosine.
Molecular consequence: missense variant.
Genome position (GRCh38, 1-based): chr11:108,176,317, G>T on the plus strand (C>A on the coding strand, the complement: NPAT is on the minus strand). VCF-style: chr11-108176317-G-T. GRCh37 (hg19) VCF-style: chr11-108047044-G-T.
Other names: c.1061C>A, p.Ser354Tyr (NM_001321307.1); short protein forms S354Y.
Identifiers: ClinVar variation 1780349 (VCV001780349.2), dbSNP rs1489641039, ClinGen allele CA382516891.
Genomic context (GRCh38, chr11:108,176,317, plus strand): 5'-GTTTCAAAAGAACCTTTAACTGCTAGATTAGTTTCATCTGCTAAGACTATACTGGGATTG[G>T]ATTCCATAGGTTGACTGGAAATACTTTGTGATATATTTTTATTATTCTTTGTTTTGCCTG-3'
Protein context (NP_002510.2, residues 344-364): SQSISSQPME[Ser354Tyr]NPSIVLADET